The following is an entry in ClinVar:

ClinVar aggregate classification (germline): Pathogenic (1 of 4 stars; one submission).

Conditions:
Ehlers-Danlos syndrome, classic type, 1 (EDSCL1). Also called: EHLERS-DANLOS SYNDROME, GRAVIS TYPE; EHLERS-DANLOS SYNDROME, SEVERE CLASSIC TYPE; Ehlers-Danlos syndrome, type 1; Ehlers-Danlos Syndrome, Classic Type, COL5A1-Related; EDS I. Identifiers: MedGen C0268335, MONDO:0019567, OMIM 130000.

Submission:

Labcorp Genetics (formerly Invitae), Labcorp
Classification: Pathogenic for Ehlers-Danlos syndrome, classic type, 1. Last evaluated: 2024-09-24. Review status: criteria provided, single submitter. Criteria: Invitae Variant Classification Sherloc (09022015). Collection method: clinical testing. Allele origin: germline.
Comment: This sequence change creates a premature translational stop signal (p.Pro1187Hisfs*10) in the COL5A1 gene. It is expected to result in an absent or disrupted protein product. Loss-of-function variants in COL5A1 are known to be pathogenic (PMID: 23587214). This variant is not present in population databases (gnomAD no frequency). This variant has not been reported in the literature in individuals affected with COL5A1-related conditions. For these reasons, this variant has been classified as Pathogenic.

Literature cited by the submitters: PubMed 23587214.

NM_000093.5(COL5A1):c.3560_3561del (p.Pro1187fs)

Gene: COL5A1 (collagen type V alpha 1 chain; plus strand). Cytogenetic location: 9q34.3.
Variant type: Deletion.
Coding change: c.3560_3561del on transcript NM_000093.5 (MANE Select); coding-DNA positions 3560 to 3561, 2 bases deleted (CC; older notation c.3560_3561delCC).
Protein change: p.Pro1187fs; shifts the reading frame from proline 1187.
Molecular consequence: frameshift variant.
Genome position (GRCh38, 1-based): chr9:134,811,370-134,811,371, CC deleted; deleting any 2 consecutive bases within chr9:134,811,368-134,811,371 gives the same sequence; the c. name uses the placement nearest the transcript's 3' end. VCF-style (leftmost placement, unchanged base first): chr9-134811367-GCC-G. GRCh37 (hg19) VCF-style: chr9-137703213-GCC-G.
Other names: c.3560_3561del, p.Pro1187fs (NM_001278074.1); short protein forms P1187fs.
Identifiers: ClinVar variation 3721482 (VCV003721482.2).